The following is an entry in ClinVar:

ClinVar aggregate classification (germline): Uncertain significance (1 of 4 stars; one submission).

Conditions:
Hereditary cancer-predisposing syndrome. Also called: Neoplastic Syndromes, Hereditary; Tumor predisposition; Hereditary Cancer Syndrome; Hereditary neoplastic syndrome. Identifiers: Orphanet 140162, MedGen C0027672, MeSH D009386, MONDO:0015356.
Cardiovascular phenotype. Identifiers: MedGen CN230736.

Submission:

Ambry Genetics
Classification: Uncertain significance for Cardiovascular phenotype; Hereditary cancer-predisposing syndrome. Last evaluated: 2021-08-12. Review status: criteria provided, single submitter. Criteria: Ambry Variant Classification Scheme 2023. Collection method: clinical testing. Allele origin: germline.
Comment: The c.7795_7797delCTT variant (also known as p.L2599del) is located in coding exon 52 of the NF1 gene. This variant results from an in-frame CTT deletion at nucleotide positions 7795 to 7797. This results in the in-frame deletion of a leucine at codon 2599. This amino acid position is highly conserved in available vertebrate species. In addition, this alteration is predicted to be deleterious by in silico analysis (Choi Y et al. PLoS ONE. 2012; 7(10):e46688). Since supporting evidence is limited at this time, the clinical significance of this alteration remains unclear.

NM_001042492.3(NF1):c.7855CTT[1] (p.Leu2620del)

Gene: NF1 (neurofibromin 1; plus strand). Cytogenetic location: 17q11.2.
Variant type: Microsatellite.
Coding change: c.7855CTT[1] on transcript NM_001042492.3 (MANE Select); one copy of the 3-base unit CTT starting at c.7855; the reference has two copies in a row; one copy, 3 bases deleted.
Protein change: p.Leu2620del; deletes leucine 2620.
Molecular consequence: inframe deletion. On other transcripts: inframe indel (1).
Genome position (GRCh38, 1-based): chr17:31,357,079-31,357,081, CTT deleted; deleting any 3 consecutive bases within chr17:31,357,076-31,357,081 gives the same sequence; the position shown is the placement nearest the transcript's 3' end. VCF-style (leftmost placement, unchanged base first): chr17-31357075-GCTT-G. GRCh37 (hg19) VCF-style: chr17-29684093-GCTT-G.
Other names: c.7795_7797delCTT (NM_000267.3); c.7792_7794CTT[1], p.Leu2599del (NM_000267.4); short protein forms L2599del, L2620del.
Identifiers: ClinVar variation 1760650 (VCV001760650.2), dbSNP rs2508828056, ClinGen allele CA2580612890.